The following is an entry in ClinVar:

ClinVar aggregate classification (germline): Uncertain significance. Review status: criteria provided, multiple submitters, no conflicts (2 of 4 stars). 2 submissions from 2 submitters: Uncertain significance (2). Last evaluated 2022-05-27.

Conditions:
Mitochondrial complex IV deficiency, nuclear type 4. Also called: Mitochondrial complex 4 deficiency, nuclear type 4. Identifiers: MedGen C5436683, MONDO:0033636, OMIM 619048.

Allele frequency attached by ClinVar (database versions not stated): TOPMed 0.00001; gnomAD 0.00002; gnomAD exomes 0.00002; ExAC 0.00018.
gnomAD v4.1: 37 of 1,553,096 alleles (0.0024%); highest among the groups gnomAD compares: Non-Finnish European, 0.0029%; no homozygotes.

Submissions (2):

Fulgent Genetics
Classification: Uncertain significance for Mitochondrial complex IV deficiency, nuclear type 4. Last evaluated: 2022-05-27. Review status: criteria provided, single submitter. Criteria: ACMG Guidelines, 2015. Collection method: clinical testing. Allele origin: unknown.

GeneDx
Classification: Uncertain significance. Last evaluated: 2021-11-26. Review status: criteria provided, single submitter. Criteria: GeneDx Variant Classification Process June 2021. Collection method: clinical testing. Allele origin: germline. Affected: yes.
Comment: Not observed at significant frequency in large population cohorts (gnomAD); In silico analysis supports that this missense variant has a deleterious effect on protein structure/function; Has not been previously published as pathogenic or benign to our knowledge

NM_004589.4(SCO1):c.271G>A (p.Gly91Arg)

Gene: SCO1 (synthesis of cytochrome C oxidase 1; minus strand). Cytogenetic location: 17p13.1.
Variant type: single nucleotide variant.
Coding change: c.271G>A on transcript NM_004589.4 (MANE Select); coding-DNA position 271, G replaced by A.
Protein change: p.Gly91Arg; replaces glycine 91 with arginine.
Molecular consequence: missense variant.
Genome position (GRCh38, 1-based): chr17:10,697,237, C>T on the plus strand (G>A on the coding strand, the complement: SCO1 is on the minus strand). VCF-style: chr17-10697237-C-T. GRCh37 (hg19) VCF-style: chr17-10600554-C-T.
Other names: short protein forms G91R.
Identifiers: ClinVar variation 1687682 (VCV001687682.3), dbSNP rs753607085, ClinGen allele CA8393672.